The following is an entry in ClinVar:

NM_001005361.3(DNM2):c.1196+701A>T

Gene: DNM2 (dynamin 2; plus strand). Cytogenetic location: 19p13.2.
Variant type: single nucleotide variant.
Coding change: c.1196+701A>T on transcript NM_001005361.3 (MANE Select); 701 bases into the intron after coding-DNA position 1196, A replaced by T.
Molecular consequence: intron variant. On other transcripts: nonsense (3).
Genome position (GRCh38, 1-based): chr19:10,796,140, A>T. VCF-style: chr19-10796140-A-T. GRCh37 (hg19) VCF-style: chr19-10906816-A-T.
Other names: c.1276A>T, p.Lys426Ter (NM_001005360.3, NM_001190716.2, NM_004945.4); c.1196+701A>T (NM_001005362.3); short protein forms K426*.
Identifiers: ClinVar variation 2758291 (VCV002758291.3), dbSNP rs2513236518, ClinGen allele CA404048896.

ClinVar aggregate classification (germline): Uncertain significance (1 of 4 stars; one submission).

Conditions:
Charcot-Marie-Tooth disease dominant intermediate B (CMTDIB). Also called: Charcot-Marie-Tooth disease dominant intermediate 1; CMT DI1; Charcot-Marie-Tooth disease dominant intermediate I; CHARCOT-MARIE-TOOTH NEUROPATHY, DOMINANT INTERMEDIATE B. Identifiers: Orphanet 100044, Orphanet 228179, MedGen C1847902, MONDO:0011674, OMIM 606482.

Submission:

Labcorp Genetics (formerly Invitae), Labcorp
Classification: Uncertain significance for Charcot-Marie-Tooth disease dominant intermediate B. Last evaluated: 2024-01-01. Review status: criteria provided, single submitter. Criteria: Invitae Variant Classification Sherloc (09022015). Collection method: clinical testing. Allele origin: germline.
Comment: This sequence change creates a premature translational stop signal (p.Lys426*) in the DNM2 gene. It is expected to result in an absent or disrupted protein product. However, the current clinical and genetic evidence is not sufficient to establish whether loss-of-function variants in DNM2 cause disease. This variant is not present in population databases (gnomAD no frequency). This variant has not been reported in the literature in individuals affected with DNM2-related conditions. Algorithms developed to predict the effect of sequence changes on RNA splicing suggest that this variant may disrupt the consensus splice site. In summary, the available evidence is currently insufficient to determine the role of this variant in disease. Therefore, it has been classified as a Variant of Uncertain Significance.